The following is an entry in ClinVar:

ClinVar aggregate classification (germline): Uncertain significance (1 of 4 stars; one submission).

Conditions:
Severe combined immunodeficiency due to DNA-PKcs deficiency. Also called: IMMUNODEFICIENCY 26 WITH NEUROLOGIC ABNORMALITIES; Immunodeficiency 26 with or without neurologic abnormalities. Identifiers: Orphanet 317425, MedGen C4014833, MONDO:0014423, OMIM 615966.

Allele frequency attached by ClinVar (database versions not stated): gnomAD exomes below 0.00001; gnomAD 0.00001; ExAC 0.00002; TOPMed 0.00002; ESP Exome Variant Server 0.00016.
gnomAD v4.1: 6 of 1,608,104 alleles (0.00037%); highest among the groups gnomAD compares: Admixed American, 0.0017%; no homozygotes.

Submission:

Labcorp Genetics (formerly Invitae), Labcorp
Classification: Uncertain significance for Severe combined immunodeficiency due to DNA-PKcs deficiency. Last evaluated: 2022-05-28. Review status: criteria provided, single submitter. Criteria: Invitae Variant Classification Sherloc (09022015). Collection method: clinical testing. Allele origin: germline.
Comment: This sequence change replaces arginine, which is basic and polar, with histidine, which is basic and polar, at codon 1822 of the PRKDC protein (p.Arg1822His). The frequency data for this variant in the population databases is considered unreliable, as metrics indicate poor data quality at this position in the gnomAD database. This variant has not been reported in the literature in individuals affected with PRKDC-related conditions. ClinVar contains an entry for this variant (Variation ID: 1060776). Experimental studies and prediction algorithms are not available or were not evaluated, and the functional significance of this variant is currently unknown. In summary, the available evidence is currently insufficient to determine the role of this variant in disease. Therefore, it has been classified as a Variant of Uncertain Significance.

NM_006904.7(PRKDC):c.5465G>A (p.Arg1822His)

Gene: PRKDC (protein kinase, DNA-activated, catalytic subunit; minus strand). Cytogenetic location: 8q11.21.
Variant type: single nucleotide variant.
Coding change: c.5465G>A on transcript NM_006904.7 (MANE Select); coding-DNA position 5465, G replaced by A.
Protein change: p.Arg1822His; replaces arginine 1822 with histidine.
Molecular consequence: missense variant.
Genome position (GRCh38, 1-based): chr8:47,864,662, C>T on the plus strand (G>A on the coding strand, the complement: PRKDC is on the minus strand). VCF-style: chr8-47864662-C-T. GRCh37 (hg19) VCF-style: chr8-48777223-C-T.
Other names: c.5465G>A, p.Arg1822His (NM_001081640.2); short protein forms R1822H.
Identifiers: ClinVar variation 1060776 (VCV001060776.4), dbSNP rs372384719, ClinGen allele CA4740630.